The following is an entry in ClinVar:

NM_015338.6(ASXL1):c.4577A>G (p.Asp1526Gly)

Gene: ASXL1 (ASXL transcriptional regulator 1; plus strand). Cytogenetic location: 20q11.21.
Variant type: single nucleotide variant.
Coding change: c.4577A>G on transcript NM_015338.6 (MANE Select); coding-DNA position 4577, A replaced by G.
Protein change: p.Asp1526Gly; replaces aspartic acid 1526 with glycine.
Molecular consequence: missense variant.
Genome position (GRCh38, 1-based): chr20:32,437,289, A>G. VCF-style: chr20-32437289-A-G. GRCh37 (hg19) VCF-style: chr20-31025092-A-G.
Other names: c.4394A>G, p.Asp1465Gly (NM_001363734.1); short protein forms D1526G, D1465G.
Identifiers: ClinVar variation 3791846 (VCV003791846.1).

ClinVar aggregate classification (germline): Uncertain significance (1 of 4 stars; one submission).

Conditions:
Inborn genetic diseases. Identifiers: MedGen C0950123, MeSH D030342.

Submission:

Ambry Genetics
Classification: Uncertain significance for Inborn genetic diseases. Last evaluated: 2025-01-03. Review status: criteria provided, single submitter. Criteria: Ambry Variant Classification Scheme 2023. Collection method: clinical testing. Allele origin: germline.
Comment: The p.D1526G variant (also known as c.4577A>G), located in coding exon 13 of the ASXL1 gene, results from an A to G substitution at nucleotide position 4577. The aspartic acid at codon 1526 is replaced by glycine, an amino acid with similar properties. This amino acid position is conserved. In addition, this alteration is predicted to be deleterious by in silico analysis. Based on the available evidence, the clinical significance of this variant remains unclear.